The following is an entry in ClinVar:

ClinVar aggregate classification (germline): Uncertain significance (1 of 4 stars; one submission).

Submission:

Labcorp Genetics (formerly Invitae), Labcorp
Classification: Uncertain significance. Last evaluated: 2025-03-17. Review status: criteria provided, single submitter. Criteria: Invitae Variant Classification Sherloc (09022015). Collection method: clinical testing. Allele origin: germline.
Comment: This sequence change replaces asparagine, which is neutral and polar, with serine, which is neutral and polar, at codon 576 of the ADGRV1 protein (p.Asn576Ser). This variant is not present in population databases (gnomAD no frequency). This variant has not been reported in the literature in individuals affected with ADGRV1-related conditions. ClinVar contains an entry for this variant (Variation ID: 998982). Invitae Evidence Modeling of protein sequence and biophysical properties (such as structural, functional, and spatial information, amino acid conservation, physicochemical variation, residue mobility, and thermodynamic stability) indicates that this missense variant is not expected to disrupt ADGRV1 protein function with a negative predictive value of 95%. In summary, the available evidence is currently insufficient to determine the role of this variant in disease. Therefore, it has been classified as a Variant of Uncertain Significance.

NM_032119.4(ADGRV1):c.1727A>G (p.Asn576Ser)

Gene: ADGRV1 (adhesion G protein-coupled receptor V1; plus strand). Cytogenetic location: 5q14.3.
Variant type: single nucleotide variant.
Coding change: c.1727A>G on transcript NM_032119.4 (MANE Select); coding-DNA position 1727, A replaced by G.
Protein change: p.Asn576Ser; replaces asparagine 576 with serine.
Molecular consequence: missense variant. On other transcripts: non-coding transcript variant (1).
Genome position (GRCh38, 1-based): chr5:90,629,427, A>G. VCF-style: chr5-90629427-A-G. GRCh37 (hg19) VCF-style: chr5-89925244-A-G.
Other names: short protein forms N576S.
Identifiers: ClinVar variation 998982 (VCV000998982.9), dbSNP rs1765210495, ClinGen allele CA360375336.